The following is an entry in ClinVar:

NM_015073.3(SIPA1L3):c.5017G>A (p.Asp1673Asn)

Gene: SIPA1L3 (signal induced proliferation associated 1 like 3; plus strand). Cytogenetic location: 19q13.2.
Variant type: single nucleotide variant.
Coding change: c.5017G>A on transcript NM_015073.3 (MANE Select); coding-DNA position 5017, G replaced by A.
Protein change: p.Asp1673Asn; replaces aspartic acid 1673 with asparagine.
Molecular consequence: missense variant.
Genome position (GRCh38, 1-based): chr19:38,201,894, G>A. VCF-style: chr19-38201894-G-A. GRCh37 (hg19) VCF-style: chr19-38692534-G-A.
Other names: short protein forms D1673N.
Identifiers: ClinVar variation 1408009 (VCV001408009.6), dbSNP rs200121927, ClinGen allele CA9410582.

ClinVar aggregate classification (germline): Uncertain significance (1 of 4 stars; one submission).

Allele frequency attached by ClinVar (database versions not stated): gnomAD exomes 0.00002; TOPMed 0.00002; ExAC 0.00003; gnomAD 0.00003; ESP Exome Variant Server 0.00008.
gnomAD v4.1: 30 of 1,613,080 alleles (0.0019%); highest among the groups gnomAD compares: South Asian, 0.0033%; no homozygotes.

Submission:

Labcorp Genetics (formerly Invitae), Labcorp
Classification: Uncertain significance. Last evaluated: 2025-10-27. Review status: criteria provided, single submitter. Criteria: Invitae Variant Classification Sherloc (09022015). Collection method: clinical testing. Allele origin: germline.
Comment: This sequence change replaces aspartic acid, which is acidic and polar, with asparagine, which is neutral and polar, at codon 1673 of the SIPA1L3 protein (p.Asp1673Asn). This variant is present in population databases (rs200121927, gnomAD 0.003%). This variant has not been reported in the literature in individuals affected with SIPA1L3-related conditions. ClinVar contains an entry for this variant (Variation ID: 1408009). An algorithm developed to predict the effect of missense changes on protein structure and function (PolyPhen-2) suggests that this variant is likely to be disruptive. In summary, the available evidence is currently insufficient to determine the role of this variant in disease. Therefore, it has been classified as a Variant of Uncertain Significance.